The following continues an entry in ClinVar:

NM_000059.4(BRCA2):c.6468_6469del (p.Gln2157fs)

Gene: BRCA2. ClinVar aggregate classification (germline): Pathogenic. Pathogenic (1).

Submissions 26 to 30 of 30:

Research Molecular Genetics Laboratory, Women's College Hospital, University of Toronto
Classification: Pathogenic for Hereditary breast ovarian cancer syndrome. Last evaluated: 2014-01-31. Review status: no assertion criteria provided. Collection method: research. Allele origin: germline. Affected: yes. Study: The Canadian Open Genetics Repository (COGR). Not counted in ClinVar's aggregate classification.

Sharing Clinical Reports Project (SCRP)
Classification: Pathogenic for Breast-ovarian cancer, familial 2. Last evaluated: 2012-08-27. Review status: no assertion criteria provided. Collection method: clinical testing. Allele origin: germline. Not counted in ClinVar's aggregate classification.

Breast Cancer Information Core (BIC) (BRCA2)
No classification provided. Condition: Breast-ovarian cancer, familial 2. Review status: no classification provided. Collection method: clinical testing. Allele origin: germline, unknown. Affected: yes. Observed: 24 variant alleles. Not counted in ClinVar's aggregate classification.

Center for Studies on Hereditary Cancer, University of Bologna
Classification: Pathogenic for Colorectal cancer. Review status: no assertion criteria provided. Collection method: research. Allele origin: germline. Affected: yes. Observed: 2 variant alleles. Not counted in ClinVar's aggregate classification.
Comment: Two sisters carrying the variant in-trans with c.8471G>C developed colorectal cancer and other primary malignancies, associated to primary amenorrhea

Department of Pathology and Laboratory Medicine, Sinai Health System
Classification: Pathogenic. Review status: no assertion criteria provided. Collection method: clinical testing. Allele origin: unknown. Affected: yes. Observed: 1 variant allele. Study: The Canadian Open Genetics Repository (COGR). Not counted in ClinVar's aggregate classification.

Literature cited by the submitters: PubMed 20104584 (cited by Labcorp Genetics (formerly Invitae), Labcorp); PubMed 8988179 (cited by 4 submitters); PubMed 17513806 (cited by Labcorp Genetics (formerly Invitae), Labcorp and Color Diagnostics, LLC DBA Color Health); PubMed 17591842 (cited by 4 submitters); PubMed 21989927 (cited by 6 submitters); PubMed 23096105 (cited by 6 submitters); PubMed 16199546 (cited by Dasa); PubMed 17063271 (cited by Dasa); PubMed 25632310 (cited by Dasa); PubMed 33471991 (cited by Quest Diagnostics Nichols Institute San Juan Capistrano and Color Diagnostics, LLC DBA Color Health); PubMed 36299383 (cited by Quest Diagnostics Nichols Institute San Juan Capistrano); PubMed 36292577 (cited by Quest Diagnostics Nichols Institute San Juan Capistrano); PubMed 10323242 (cited by 3 submitters); PubMed 30702160 (cited by Quest Diagnostics Nichols Institute San Juan Capistrano); PubMed 30322717 (cited by Quest Diagnostics Nichols Institute San Juan Capistrano); PubMed 30720863 (cited by Quest Diagnostics Nichols Institute San Juan Capistrano); PubMed 29506128 (cited by Quest Diagnostics Nichols Institute San Juan Capistrano); PubMed 29907814 (cited by Quest Diagnostics Nichols Institute San Juan Capistrano); PubMed 31528241 (cited by Quest Diagnostics Nichols Institute San Juan Capistrano and Color Diagnostics, LLC DBA Color Health); PubMed 28724667 (cited by Quest Diagnostics Nichols Institute San Juan Capistrano); PubMed 18821011 (cited by 5 submitters); PubMed 26187060 (cited by Quest Diagnostics Nichols Institute San Juan Capistrano and Ambry Genetics); PubMed 18489799 (cited by 3 submitters); PubMed 15024741 (cited by 3 submitters); PubMed 10739756 (cited by Ambry Genetics and Color Diagnostics, LLC DBA Color Health); PubMed 11030417 (cited by 3 submitters); PubMed 11056688 (cited by 3 submitters); PubMed 12543786 (cited by 4 submitters); PubMed 16931905 (cited by Ambry Genetics); PubMed 12181777 (cited by Color Diagnostics, LLC DBA Color Health and Women's Health and Genetics/Laboratory Corporation of America, LabCorp); PubMed 15340362 (cited by Color Diagnostics, LLC DBA Color Health and Women's Health and Genetics/Laboratory Corporation of America, LabCorp); PubMed 17224268 (cited by Color Diagnostics, LLC DBA Color Health and Laboratory for Molecular Medicine, Mass General Brigham Personalized Medicine); PubMed 29446198 (cited by Color Diagnostics, LLC DBA Color Health and Sema4); PubMed 30287823 (cited by Color Diagnostics, LLC DBA Color Health); PubMed 31214711 (cited by Color Diagnostics, LLC DBA Color Health); PubMed 9145678 (cited by Women's Health and Genetics/Laboratory Corporation of America, LabCorp); PubMed 36988593 (cited by Laboratory for Genotyping Development, RIKEN).